The following is an entry in ClinVar:

ClinVar aggregate classification (germline): Uncertain significance (1 of 4 stars; one submission).

gnomAD v4.1: 11 of 1,608,372 alleles (0.00068%); highest among the groups gnomAD compares: Middle Eastern, 0.016%; no homozygotes.

Submission:

Labcorp Genetics (formerly Invitae), Labcorp
Classification: Uncertain significance. Last evaluated: 2025-06-14. Review status: criteria provided, single submitter. Criteria: Invitae Variant Classification Sherloc (09022015). Collection method: clinical testing. Allele origin: germline.
Comment: This sequence change affects codon 891 of the GRIN2D mRNA. It is a 'silent' change, meaning that it does not change the encoded amino acid sequence of the GRIN2D protein. This variant also falls at the last nucleotide of exon 12, which is part of the consensus splice site for this exon. This variant is not present in population databases (gnomAD no frequency). This variant has not been reported in the literature in individuals affected with GRIN2D-related conditions. Variants that disrupt the consensus splice site are a relatively common cause of aberrant splicing (PMID: 17576681, 9536098). Algorithms developed to predict the effect of sequence changes on RNA splicing suggest that this variant may disrupt the consensus splice site. In summary, the available evidence is currently insufficient to determine the role of this variant in disease. Therefore, it has been classified as a Variant of Uncertain Significance.

Literature cited by the submitters: PubMed 17576681; PubMed 9536098.

NM_000836.4(GRIN2D):c.2673G>A (p.Arg891=)

Gene: GRIN2D (glutamate ionotropic receptor NMDA type subunit 2D; plus strand). Cytogenetic location: 19q13.33.
Variant type: single nucleotide variant.
Coding change: c.2673G>A on transcript NM_000836.4 (MANE Select); coding-DNA position 2673, G replaced by A.
Protein change: p.Arg891=; no amino-acid change (arginine 891 retained).
Molecular consequence: synonymous variant.
Genome position (GRCh38, 1-based): chr19:48,442,382, G>A. VCF-style: chr19-48442382-G-A. GRCh37 (hg19) VCF-style: chr19-48945639-G-A.
Identifiers: ClinVar variation 4775882 (VCV004775882.1).
Genomic context (GRCh38, chr19:48,442,382, plus strand): 5'-GCGCCTGCGGCACTGCCTGGGGCCCACCCACCGCATGGACTTCCTGCTGGCCTTCTCCAG[G>A]GTATGGGGCAGAGAGGGAGGCAGAGAGGGGGAGATGGCAGGGGCGGGGACAAAGGTAAAG-3'
Protein context (NP_000827.2, residues 881-901): HRMDFLLAFS[Arg891=]GMYSCCSAEA